The following is an entry in ClinVar:

NM_000170.3(GLDC):c.233T>C (p.Met78Thr)

Gene: GLDC (glycine decarboxylase; minus strand). Cytogenetic location: 9p24.1.
Variant type: single nucleotide variant.
Coding change: c.233T>C on transcript NM_000170.3 (MANE Select); coding-DNA position 233, T replaced by C.
Protein change: p.Met78Thr; replaces methionine 78 with threonine.
Molecular consequence: missense variant.
Genome position (GRCh38, 1-based): chr9:6,645,267, A>G on the plus strand (T>C on the coding strand, the complement: GLDC is on the minus strand). VCF-style: chr9-6645267-A-G. GRCh37 (hg19) VCF-style: chr9-6645267-A-G.
Other names: short protein forms M78T.
Identifiers: ClinVar variation 1407069 (VCV001407069.7), dbSNP rs2130031822, ClinGen allele CA372886313.
Genomic context (GRCh38, chr9:6,645,267, plus strand): 5'-GGAGGGGAGGCCGCGGAGGGCCGGGTGGAGGTCCTTACCGCCAGCCCCAAGGTCTGCAGC[A>G]TCTCTCTCTGGTCTTTGTCCCCAGGGCCGATGTGCCTCCGAGCGAAGTCGTCGTGTCTGG-3'
Protein context (NP_000161.2, residues 68-88): IGPGDKDQRE[Met78Thr]LQTLGLASID

ClinVar aggregate classification (germline): Uncertain significance (1 of 4 stars; one submission).

Conditions:
Glycine encephalopathy. Also called: Nonketotic hyperglycinemia; Non-ketotic hyperglycinemia. Identifiers: Orphanet 407, MedGen C0751748, MONDO:0011612, HP:0008288.

Allele frequency attached by ClinVar (database versions not stated): gnomAD exomes below 0.00001.
gnomAD v4.1: 2 of 1,601,982 alleles (0.00012%); highest among the groups gnomAD compares: Non-Finnish European, 0.00017%; no homozygotes.

Submission:

Labcorp Genetics (formerly Invitae), Labcorp
Classification: Uncertain significance for Glycine encephalopathy. Last evaluated: 2024-03-27. Review status: criteria provided, single submitter. Criteria: Invitae Variant Classification Sherloc (09022015). Collection method: clinical testing. Allele origin: germline.
Comment: This sequence change replaces methionine, which is neutral and non-polar, with threonine, which is neutral and polar, at codon 78 of the GLDC protein (p.Met78Thr). This variant is not present in population databases (gnomAD no frequency). This variant has not been reported in the literature in individuals affected with GLDC-related conditions. ClinVar contains an entry for this variant (Variation ID: 1407069). Advanced modeling of protein sequence and biophysical properties (such as structural, functional, and spatial information, amino acid conservation, physicochemical variation, residue mobility, and thermodynamic stability) performed at Invitae indicates that this missense variant is expected to disrupt GLDC protein function with a positive predictive value of 80%. In summary, the available evidence is currently insufficient to determine the role of this variant in disease. Therefore, it has been classified as a Variant of Uncertain Significance.